The following is an entry in ClinVar:

NM_080680.3(COL11A2):c.874C>T (p.Gln292Ter)

Gene: COL11A2 (collagen type XI alpha 2 chain; minus strand). Cytogenetic location: 6p21.32.
Variant type: single nucleotide variant.
Coding change: c.874C>T on transcript NM_080680.3 (MANE Select); coding-DNA position 874, C replaced by T.
Protein change: p.Gln292Ter; replaces glutamine 292 with a stop codon.
Molecular consequence: nonsense. On other transcripts: intron variant (2).
Genome position (GRCh38, 1-based): chr6:33,185,703, G>A on the plus strand (C>T on the coding strand, the complement: COL11A2 is on the minus strand). VCF-style: chr6-33185703-G-A. GRCh37 (hg19) VCF-style: chr6-33153480-G-A.
Other names: c.798+924C>T (NM_080679.3); c.799-649C>T (NM_080681.3); short protein forms Q292*.
Identifiers: ClinVar variation 1951094 (VCV001951094.5), dbSNP rs766136290, ClinGen allele CA3751542.

ClinVar aggregate classification (germline): Pathogenic (1 of 4 stars; one submission).

Allele frequency attached by ClinVar (database versions not stated): TOPMed 0.00001.
gnomAD v4.1: 2 of 1,354,200 alleles (0.00015%); highest among the groups gnomAD compares: Admixed American, 0.0038%; no homozygotes.

Submission:

Labcorp Genetics (formerly Invitae), Labcorp
Classification: Pathogenic. Last evaluated: 2021-12-11. Review status: criteria provided, single submitter. Criteria: Invitae Variant Classification Sherloc (09022015). Collection method: clinical testing. Allele origin: germline.
Comment: This sequence change creates a premature translational stop signal (p.Gln292*) in the COL11A2 gene. It is expected to result in an absent or disrupted protein product. Loss-of-function variants in COL11A2 are known to be pathogenic (PMID: 10677296, 21204229). This variant is present in population databases (rs766136290, gnomAD 0.006%). This variant has not been reported in the literature in individuals affected with COL11A2-related conditions. For these reasons, this variant has been classified as Pathogenic.

Literature cited by the submitters: PubMed 10677296; PubMed 21204229.